The following is an entry in ClinVar:

NM_000271.5(NPC1):c.1558C>T (p.Pro520Ser)

Gene: NPC1 (NPC intracellular cholesterol transporter 1; minus strand). Cytogenetic location: 18q11.2.
Variant type: single nucleotide variant.
Coding change: c.1558C>T on transcript NM_000271.5 (MANE Select); coding-DNA position 1558, C replaced by T.
Protein change: p.Pro520Ser; replaces proline 520 with serine.
Molecular consequence: missense variant.
Genome position (GRCh38, 1-based): chr18:23,551,723, G>A on the plus strand (C>T on the coding strand, the complement: NPC1 is on the minus strand). VCF-style: chr18-23551723-G-A. GRCh37 (hg19) VCF-style: chr18-21131687-G-A.
Other names: c.1558C>T (NM_000271.4); short protein forms P520S.
Identifiers: ClinVar variation 2182990 (VCV002182990.3), dbSNP rs776210648, ClinGen allele CA8913427.

ClinVar aggregate classification (germline): Uncertain significance. Review status: criteria provided, multiple submitters, no conflicts (2 of 4 stars). 2 submissions from 2 submitters: Uncertain significance (2). Last evaluated 2022-08-21.

Conditions:
Inborn genetic diseases. Identifiers: MedGen C0950123, MeSH D030342.
Niemann-Pick disease, type C1. Also called: NEUROVISCERAL STORAGE DISEASE WITH VERTICAL SUPRANUCLEAR OPHTHALMOPLEGIA; NIEMANN-PICK DISEASE WITH CHOLESTEROL ESTERIFICATION BLOCK; NIEMANN-PICK DISEASE WITHOUT SPHINGOMYELINASE DEFICIENCY; NIEMANN-PICK DISEASE, CHRONIC NEURONOPATHIC FORM; NIEMANN-PICK DISEASE, VARIANT TYPE C1. Identifiers: Orphanet 646, MedGen C3179455, MONDO:0009757, OMIM 257220.

Allele frequency attached by ClinVar (database versions not stated): gnomAD exomes 0.00001; ExAC 0.00002.

Submissions (2):

Labcorp Genetics (formerly Invitae), Labcorp
Classification: Uncertain significance for Niemann-Pick disease, type C1. Last evaluated: 2022-08-21. Review status: criteria provided, single submitter. Criteria: Invitae Variant Classification Sherloc (09022015). Collection method: clinical testing. Allele origin: germline.
Comment: In summary, the available evidence is currently insufficient to determine the role of this variant in disease. Therefore, it has been classified as a Variant of Uncertain Significance. Advanced modeling of protein sequence and biophysical properties (such as structural, functional, and spatial information, amino acid conservation, physicochemical variation, residue mobility, and thermodynamic stability) performed at Invitae indicates that this missense variant is expected to disrupt NPC1 protein function. This variant has not been reported in the literature in individuals affected with NPC1-related conditions. This variant is present in population databases (rs776210648, gnomAD 0.003%). This sequence change replaces proline, which is neutral and non-polar, with serine, which is neutral and polar, at codon 520 of the NPC1 protein (p.Pro520Ser).

Ambry Genetics
Classification: Uncertain significance for Inborn genetic diseases. Last evaluated: 2021-06-23. Review status: criteria provided, single submitter. Criteria: Ambry Variant Classification Scheme 2023. Collection method: clinical testing. Allele origin: germline.